The following is an entry in ClinVar:

ClinVar aggregate classification (germline): Benign/Likely benign. Review status: criteria provided, multiple submitters, no conflicts (2 of 4 stars). 11 submissions from 10 submitters: Benign (9); Likely benign (1). 1 of the submissions does not count toward it. Last evaluated 2026-09-01.

Conditions:
Rothmund-Thomson syndrome type 2 (RTS2). Identifiers: Orphanet 221016, MedGen C5203410, MONDO:0016369, OMIM 268400.
Hereditary cancer-predisposing syndrome. Also called: Neoplastic Syndromes, Hereditary; Tumor predisposition; Hereditary neoplastic syndrome; Hereditary Cancer Syndrome. Identifiers: Orphanet 140162, MedGen C0027672, MeSH D009386, MONDO:0015356.
Rapadilino syndrome. Identifiers: Orphanet 3021, MedGen C1849453, MONDO:0009955, OMIM 266280.
Baller-Gerold syndrome (BGS). Also called: CRANIOSYNOSTOSIS WITH RADIAL DEFECTS. Identifiers: Orphanet 1225, MedGen C0265308, MONDO:0009039, OMIM 218600.

Submissions (11):

CeGaT Center for Human Genetics Tuebingen
Classification: Likely benign. Last evaluated: 2026-09-01. Review status: criteria provided, single submitter. Criteria: CeGaT Center For Human Genetics Tuebingen Variant Classification Criteria Version 2. Collection method: clinical testing. Allele origin: germline. Affected: yes. Observed: 21 variant alleles.
Comment: RECQL4: PM4, BS1, BS2

Labcorp Genetics (formerly Invitae), Labcorp
Classification: Benign for Baller-Gerold syndrome. Last evaluated: 2026-02-04. Review status: criteria provided, single submitter. Criteria: Invitae Variant Classification Sherloc (09022015). Collection method: clinical testing. Allele origin: germline.

Mayo Clinic Laboratories, Mayo Clinic
Classification: Benign. Last evaluated: 2025-10-09. Review status: criteria provided, single submitter. Criteria: ACMG Guidelines, 2015. Collection method: clinical testing. Allele origin: germline. Observed: 3 variant alleles.
Comment: BA1

KCCC/NGS Laboratory, Kuwait Cancer Control Center
Classification: Benign for Rapadilino syndrome. Last evaluated: 2025-02-01. Review status: criteria provided, single submitter. Criteria: ACMG Guidelines, 2015. Collection method: clinical testing. Allele origin: germline. Affected: no.

KCCC/NGS Laboratory, Kuwait Cancer Control Center
Classification: Benign for Rothmund-Thomson syndrome type 2. Last evaluated: 2023-07-07. Review status: criteria provided, single submitter. Criteria: ACMG Guidelines, 2015. Collection method: clinical testing. Allele origin: germline. Affected: yes.

Genetic Services Laboratory, University of Chicago
Classification: Benign. Last evaluated: 2021-12-20. Review status: criteria provided, single submitter. Criteria: ACMG Guidelines, 2015. Collection method: clinical testing. Allele origin: germline. Affected: no.

Sema4
Classification: Benign for Hereditary cancer-predisposing syndrome. Last evaluated: 2020-12-17. Review status: criteria provided, single submitter. Criteria: Sema4 Curation Guidelines. Collection method: curation. Allele origin: germline.

Victorian Clinical Genetics Services, Murdoch Childrens Research Institute
Classification: Benign for Rothmund-Thomson syndrome type 2. Last evaluated: 2020-05-25. Review status: criteria provided, single submitter. Criteria: ACMG Guidelines, 2015. Collection method: clinical testing. Allele origin: germline. Inheritance: Autosomal recessive inheritance.
Comment: Based on the classification scheme VCGS_Germline_v1.1.1, this variant is classified as BENIGN. Following criteria are met: 0102 - Loss-of-function is a known mechanism of disease for this gene. (N) 0106 - This gene is known to be associated with autosomal recessive disease. (N) 0215 - In-frame insertion/deletion fully contained in a repetitive region that has low conservation (exon 15). (P) 0251 - Variant is heterozygous. (N) 0306 - Variant is present in gnomAD >=0.03 and <0.05 for a recessive condition (1402 heterozygotes, 30 homozygotes). (B) 0604 - Variant is not located in an established domain, motif, hotspot or informative constraint region. (N) 0705 - No comparable variants have previous evidence for pathogenicity. (N) 0806 - Moderate previous evidence of neutrality in unrelated individuals. Two Benign reports (ClinVar). (B) 0905 - No segregation evidence has been identified for this variant. (N) 1007 - No published functional evidence has been identified for this variant. (N) 1208 - Inheritance information for this variant is not currently available. (N) Legend: (P) - Pathogenic, (N) - Neutral, (B) - Benign

GeneDx
Classification: Benign. Last evaluated: 2019-12-06. Review status: criteria provided, single submitter. Criteria: GeneDx Variant Classification Process June 2021. Collection method: clinical testing. Allele origin: germline. Affected: yes.
Comment: This variant is associated with the following publications: (PMID: 24728327)

Center for Pediatric Genomic Medicine, Children's Mercy Hospital and Clinics
Classification: Benign. Last evaluated: 2016-09-12. Review status: criteria provided, single submitter. Criteria: ACMG Guidelines, 2015. Collection method: clinical testing. Allele origin: germline.

ITMI
No classification provided. Condition: AllHighlyPenetrant. Last evaluated: 2013-09-19. Review status: no classification provided. Collection method: reference population. Allele origin: germline. Not counted in ClinVar's aggregate classification.
Comment: Please see associated publication for description of ethnicities

Literature cited by the submitters: PubMed 24728327 (cited by ITMI).

NM_004260.4(RECQL4):c.2557TGCACC[2] (p.853CT[2])

Gene: RECQL4 (RecQ like helicase 4; minus strand). Cytogenetic location: 8q24.3.
Variant type: Microsatellite.
Coding change: c.2557TGCACC[2] on transcript NM_004260.4 (MANE Select); two copies in a row of the 6-base unit TGCACC starting at c.2557; the reference has three copies in a row; one copy, 6 bases deleted.
Protein change: p.853CT[2].
Molecular consequence: inframe deletion.
Genome position (GRCh38, 1-based): chr8:144,513,028-144,513,033, GGTGCA deleted on the plus strand (TGCACC on the coding strand, the reverse complement: RECQL4 is on the minus strand); deleting any 6 consecutive bases within chr8:144,513,028-144,513,047 gives the same sequence; the position shown is the placement nearest the transcript's 3' end. VCF-style (leftmost placement, unchanged base first): chr8-144513027-TGGTGCA-T. GRCh37 (hg19) VCF-style: chr8-145738410-TGGTGCA-T.
Other names: p.Cys857_Thr858del; c.2569_2574delTGCACC (NM_004260.3).
Identifiers: ClinVar variation 135140 (VCV000135140.44), dbSNP rs548804317, ClinGen allele CA161837.